The following is an entry in ClinVar:

NM_018051.5(DYNC2I1):c.2354C>T (p.Pro785Leu)

Gene: DYNC2I1 (dynein 2 intermediate chain 1; plus strand). Cytogenetic location: 7q36.3.
Variant type: single nucleotide variant.
Coding change: c.2354C>T on transcript NM_018051.5 (MANE Select); coding-DNA position 2354, C replaced by T.
Protein change: p.Pro785Leu; replaces proline 785 with leucine.
Molecular consequence: missense variant.
Genome position (GRCh38, 1-based): chr7:158,926,283, C>T. VCF-style: chr7-158926283-C-T. GRCh37 (hg19) VCF-style: chr7-158718974-C-T.
Other names: c.2216C>T, p.Pro739Leu (NM_001350914.2); c.1781C>T, p.Pro594Leu (NM_001350915.2); c.893C>T, p.Pro298Leu (NM_001350916.2); c.1106C>T, p.Pro369Leu (NM_001350917.2, NM_001350918.2); short protein forms P369L, P298L, P739L, P594L, P785L.
Identifiers: ClinVar variation 707041 (VCV000707041.14), dbSNP rs61733021, ClinGen allele CA4594951.
Genomic context (GRCh38, chr7:158,926,283, plus strand): 5'-TTCAAGCAGTAGAACCTATCTCAACGTCCGTCCACAAAAAGCAGAGCTTTGTGCTTTCAC[C>T]CTTTTCTACTCAAGAAGGTACGTGATTCTTCACTTTCTTAAAATCCTTCATCAATGGTTG-3'
Protein context (NP_060521.4, residues 775-795): VHKKQSFVLS[Pro785Leu]FSTQEEMSGL

ClinVar aggregate classification (germline): Benign/Likely benign. Review status: criteria provided, multiple submitters, no conflicts (2 of 4 stars). 4 submissions from 4 submitters: Benign (2); Likely benign (1). 1 of the submissions does not count toward it. Last evaluated 2025-12-31.

Conditions:
DYNC2I1-related disorder. Also called: DYNC2I1-related condition.
Short-rib thoracic dysplasia 8 with or without polydactyly (SRTD8). Also called: SHORT-RIB THORACIC DYSPLASIA 8 WITH POLYDACTYLY. Identifiers: Orphanet 93271, MedGen C3809691, MONDO:0014214, OMIM 615503.

Allele frequency attached by ClinVar (database versions not stated): gnomAD exomes 0.00031 and 0.00071; ExAC 0.00108; 1000 Genomes Project 0.00260; 1000 Genomes Project 30x 0.00281; ESP Exome Variant Server 0.00308; gnomAD 0.00326 and 0.00358; TOPMed 0.00343.
gnomAD v4.1: 971 of 1,612,252 alleles (0.06%); highest among the groups gnomAD compares: African/African-American, 1.2%; 3 homozygotes.

Submissions (4):

Labcorp Genetics (formerly Invitae), Labcorp
Classification: Benign for Short-rib thoracic dysplasia 8 with or without polydactyly. Last evaluated: 2025-12-31. Review status: criteria provided, single submitter. Criteria: Invitae Variant Classification Sherloc (09022015). Collection method: clinical testing. Allele origin: germline.

Blueprint Genetics
Classification: Likely benign. Last evaluated: 2024-10-16. Review status: criteria provided, single submitter. Criteria: ACMG Guidelines, 2015. Collection method: clinical testing. Allele origin: germline.

Breakthrough Genomics
Classification: Benign. Review status: criteria provided, single submitter. Criteria: ACMG Guidelines, 2015. Collection method: not provided. Allele origin: germline. Inheritance: Autosomal recessive inheritance. Affected: yes.

PreventionGenetics, part of Exact Sciences
Classification: Benign for DYNC2I1-related condition. Last evaluated: 2019-12-06. Review status: no assertion criteria provided. Collection method: clinical testing. Allele origin: germline. Not counted in ClinVar's aggregate classification.
Comment: This variant is classified as benign based on ACMG/AMP sequence variant interpretation guidelines (Richards et al. 2015 PMID: 25741868, with internal and published modifications).